The following is an entry in ClinVar:

NM_005560.6(LAMA5):c.999C>G (p.Cys333Trp)

Gene: LAMA5 (laminin subunit alpha 5; minus strand). Cytogenetic location: 20q13.33.
Variant type: single nucleotide variant.
Coding change: c.999C>G on transcript NM_005560.6 (MANE Select); coding-DNA position 999, C replaced by G.
Protein change: p.Cys333Trp; replaces cysteine 333 with tryptophan.
Molecular consequence: missense variant.
Genome position (GRCh38, 1-based): chr20:62,346,986, G>C on the plus strand (C>G on the coding strand, the complement: LAMA5 is on the minus strand). VCF-style: chr20-62346986-G-C. GRCh37 (hg19) VCF-style: chr20-60922042-G-C.
Other names: short protein forms C333W.
Identifiers: ClinVar variation 1956799 (VCV001956799.3), dbSNP rs752120644, ClinGen allele CA317279770.

ClinVar aggregate classification (germline): Uncertain significance (1 of 4 stars; one submission).

Submission:

Labcorp Genetics (formerly Invitae), Labcorp
Classification: Uncertain significance. Last evaluated: 2023-12-21. Review status: criteria provided, single submitter. Criteria: Invitae Variant Classification Sherloc (09022015). Collection method: clinical testing. Allele origin: germline.
Comment: This sequence change replaces cysteine, which is neutral and slightly polar, with tryptophan, which is neutral and slightly polar, at codon 333 of the LAMA5 protein (p.Cys333Trp). This variant is not present in population databases (gnomAD no frequency). This variant has not been reported in the literature in individuals affected with LAMA5-related conditions. ClinVar contains an entry for this variant (Variation ID: 1956799). An algorithm developed to predict the effect of missense changes on protein structure and function (PolyPhen-2) suggests that this variant is likely to be disruptive. In summary, the available evidence is currently insufficient to determine the role of this variant in disease. Therefore, it has been classified as a Variant of Uncertain Significance.